The following is an entry in ClinVar:

ClinVar aggregate classification (germline): Uncertain significance (1 of 4 stars; one submission).

Conditions:
Cardiovascular phenotype. Identifiers: MedGen CN230736.

Submission:

Ambry Genetics
Classification: Uncertain significance for Cardiovascular phenotype. Last evaluated: 2025-09-17. Review status: criteria provided, single submitter. Criteria: Ambry Variant Classification Scheme 2023. Collection method: clinical testing. Allele origin: germline.
Comment: The p.D36A variant (also known as c.107A>C), located in coding exon 2 of the TBX1 gene, results from an A to C substitution at nucleotide position 107. The aspartic acid at codon 36 is replaced by alanine, an amino acid with dissimilar properties. This amino acid position is conserved. In addition, this alteration is predicted to be tolerated by in silico analysis. Since supporting evidence is limited at this time, the clinical significance of this alteration remains unclear.

NM_001379200.1(TBX1):c.134A>C (p.Asp45Ala)

Gene: TBX1 (T-box transcription factor 1; plus strand). Cytogenetic location: 22q11.21.
Variant type: single nucleotide variant.
Coding change: c.134A>C on transcript NM_001379200.1 (MANE Select); coding-DNA position 134, A replaced by C.
Protein change: p.Asp45Ala; replaces aspartic acid 45 with alanine.
Molecular consequence: missense variant.
Genome position (GRCh38, 1-based): chr22:19,760,977, A>C. VCF-style: chr22-19760977-A-C. GRCh37 (hg19) VCF-style: chr22-19748500-A-C.
Other names: c.107A>C, p.Asp36Ala (NM_005992.1, NM_080646.2, NM_080647.1); short protein forms D45A, D36A.
Identifiers: ClinVar variation 1785838 (VCV001785838.3), dbSNP rs1936637685, ClinGen allele CA410681219.